The following is an entry in ClinVar:

NM_002168.4(IDH2):c.429G>C (p.Leu143=)

Gene: IDH2 (isocitrate dehydrogenase (NADP(+)) 2; minus strand). Cytogenetic location: 15q26.1.
Variant type: single nucleotide variant.
Coding change: c.429G>C on transcript NM_002168.4 (MANE Select); coding-DNA position 429, G replaced by C.
Protein change: p.Leu143=; no amino-acid change (leucine 143 retained).
Molecular consequence: synonymous variant.
Genome position (GRCh38, 1-based): chr15:90,088,692, C>G on the plus strand (G>C on the coding strand, the complement: IDH2 is on the minus strand). VCF-style: chr15-90088692-C-G. GRCh37 (hg19) VCF-style: chr15-90631924-C-G.
Other names: p.Leu143=; c.273G>C, p.Leu91= (NM_001289910.1); c.39G>C, p.Leu13= (NM_001290114.2).
Identifiers: ClinVar variation 211175 (VCV000211175.27), dbSNP rs144712130, ClinGen allele CA208694.

ClinVar aggregate classification (germline): Benign/Likely benign. Review status: criteria provided, multiple submitters, no conflicts (2 of 4 stars). 6 submissions from 6 submitters: Benign (3); Likely benign (3). Last evaluated 2026-01-15.

Conditions:
D-2-hydroxyglutaric aciduria 2 (D2HGA2). Identifiers: Orphanet 79315, MedGen C3150909, MONDO:0013345, OMIM 613657.

Allele frequency attached by ClinVar (database versions not stated): gnomAD 0.00769 and 0.00824; TOPMed 0.00827; 1000 Genomes Project 30x 0.00859; ESP Exome Variant Server 0.00869; 1000 Genomes Project 0.00879.
gnomAD v4.1: 2,271 of 1,614,124 alleles (0.14%); highest among the groups gnomAD compares: African/African-American, 2.6%; 30 homozygotes.

Submissions (6):

Labcorp Genetics (formerly Invitae), Labcorp
Classification: Benign for D-2-hydroxyglutaric aciduria 2. Last evaluated: 2026-01-15. Review status: criteria provided, single submitter. Criteria: Invitae Variant Classification Sherloc (09022015). Collection method: clinical testing. Allele origin: germline.

CeGaT Center for Human Genetics Tuebingen
Classification: Benign. Last evaluated: 2025-06-01. Review status: criteria provided, single submitter. Criteria: CeGaT Center For Human Genetics Tuebingen Variant Classification Criteria Version 2. Collection method: clinical testing. Allele origin: germline. Affected: yes. Observed: 1 variant allele.
Comment: IDH2: BP4, BP7, BS1, BS2

Mayo Clinic Laboratories, Mayo Clinic
Classification: Benign. Last evaluated: 2025-01-20. Review status: criteria provided, single submitter. Criteria: ACMG Guidelines, 2015. Collection method: clinical testing. Allele origin: germline. Observed: 5 variant alleles.
Comment: BS1, BS2, BP4, BP7

Fulgent Genetics
Classification: Likely benign for D-2-hydroxyglutaric aciduria 2. Last evaluated: 2021-10-08. Review status: criteria provided, single submitter. Criteria: ACMG Guidelines, 2015. Collection method: clinical testing. Allele origin: unknown.

Genetic Services Laboratory, University of Chicago
Classification: Likely benign. Last evaluated: 2015-07-28. Review status: criteria provided, single submitter. Criteria: ACMG Guidelines, 2015. Collection method: clinical testing. Allele origin: germline.

Breakthrough Genomics
Classification: Likely benign. Review status: criteria provided, single submitter. Criteria: ACMG Guidelines, 2015. Collection method: not provided. Allele origin: germline. Inheritance: Unknown mechanism. Affected: yes.